The following is an entry in ClinVar:

ClinVar aggregate classification (germline): Benign/Likely benign. Review status: criteria provided, multiple submitters, no conflicts (2 of 4 stars). 2 submissions from 2 submitters: Benign (1); Likely benign (1). Last evaluated 2024-10-28.

Conditions:
Birt-Hogg-Dube syndrome 1 (BHD1). Also called: FIBROFOLLICULOMAS WITH TRICHODISCOMAS AND ACROCHORDONS. Identifiers: Orphanet 122, MedGen CN375946, MONDO:0800445, OMIM 135150.
Hereditary cancer-predisposing syndrome. Also called: Neoplastic Syndromes, Hereditary; Tumor predisposition; Hereditary Cancer Syndrome; Hereditary neoplastic syndrome. Identifiers: Orphanet 140162, MedGen C0027672, MeSH D009386, MONDO:0015356.

Submissions (2):

Myriad Genetics, Inc.
Classification: Benign for Birt-Hogg-Dube syndrome 1. Last evaluated: 2024-10-28. Review status: criteria provided, single submitter. Criteria: Myriad Autosomal Dominant, Autosomal Recessive and X-Linked Classification Criteria (2023). Collection method: clinical testing. Allele origin: unknown.
Comment: This variant is considered benign. This variant is a silent/synonymous amino acid change and it is not expected to impact splicing.

Ambry Genetics
Classification: Likely benign for Hereditary cancer-predisposing syndrome. Last evaluated: 2019-10-01. Review status: criteria provided, single submitter. Criteria: Ambry Variant Classification Scheme 2023. Collection method: clinical testing. Allele origin: germline.

NM_144997.7(FLCN):c.1605G>A (p.Leu535=)

Gene: FLCN (folliculin; minus strand). Cytogenetic location: 17p11.2.
Variant type: single nucleotide variant.
Coding change: c.1605G>A on transcript NM_144997.7 (MANE Select); coding-DNA position 1605, G replaced by A.
Protein change: p.Leu535=; no amino-acid change (leucine 535 retained).
Molecular consequence: synonymous variant.
Genome position (GRCh38, 1-based): chr17:17,213,790, C>T on the plus strand (G>A on the coding strand, the complement: FLCN is on the minus strand). VCF-style: chr17-17213790-C-T. GRCh37 (hg19) VCF-style: chr17-17117104-C-T.
Other names: c.1659G>A, p.Leu553= (NM_001353229.2); c.1605G>A, p.Leu535= (NM_001353230.2, NM_001353231.2).
Identifiers: ClinVar variation 1776266 (VCV001776266.3), dbSNP rs2144810735, ClinGen allele CA498163115.
Genomic context (GRCh38, chr17:17,213,790, plus strand): 5'-AGTCATCCAGAACTTCAGCAGCTTGACATTGTCCTCCTCGGACGCACCCAGGATGCTCAG[C>T]AGCTTCTGTGTGTCCTCTTTGGGTCGACTGTCCACCTTGGTGAACTTAAAAAGCACCTTC-3'
Protein context (NP_659434.2, residues 525-545): DSRPKEDTQK[Leu535=]LSILGASEED